The following is an entry in ClinVar:

ClinVar aggregate classification (germline): Likely benign. Review status: criteria provided, multiple submitters, no conflicts (2 of 4 stars). 2 submissions from 2 submitters: Likely benign (2). Last evaluated 2026-09-10.

Conditions:
TTN-related disorder. Also called: TTN-related condition; TTN-related disease; TTN-related disorders.
Dilated cardiomyopathy 1G (CMD1G). Identifiers: Orphanet 154, MedGen C1858763, MONDO:0011400, OMIM 604145.
Autosomal recessive limb-girdle muscular dystrophy type 2J (LGMDR10). Also called: Limb-girdle muscular dystrophy, type 2J; MUSCULAR DYSTROPHY, LIMB-GIRDLE, AUTOSOMAL RECESSIVE 10. Identifiers: Orphanet 140922, MedGen C1837342, MONDO:0012127, OMIM 608807.

Allele frequency attached by ClinVar (database versions not stated): TOPMed 0.00001.
gnomAD v4.1: 9 of 1,611,722 alleles (0.00056%); highest among the groups gnomAD compares: East Asian, 0.0045%; no homozygotes.

Submissions (2):

PreventionGenetics, part of Exact Sciences
Classification: Likely benign for TTN-related condition. Last evaluated: 2026-09-10. Review status: criteria provided, single submitter. Criteria: ACMG Guidelines, 2015. Collection method: clinical testing. Allele origin: germline.
Comment: This variant is classified as likely benign based on ACMG/AMP sequence variant interpretation guidelines (Richards et al. 2015 PMID: 25741868, with internal and published modifications).

Labcorp Genetics (formerly Invitae), Labcorp
Classification: Likely benign for Dilated cardiomyopathy 1G; Autosomal recessive limb-girdle muscular dystrophy type 2J. Last evaluated: 2025-03-26. Review status: criteria provided, single submitter. Criteria: Invitae Variant Classification Sherloc (09022015). Collection method: clinical testing. Allele origin: germline.

NM_001267550.2(TTN):c.29127C>T (p.Val9709=)

Gene: TTN (titin; minus strand). Cytogenetic location: 2q31.2.
Variant type: single nucleotide variant.
Coding change: c.29127C>T on transcript NM_001267550.2 (MANE Select); coding-DNA position 29127, C replaced by T.
Protein change: p.Val9709=; no amino-acid change (valine 9709 retained).
Molecular consequence: synonymous variant. On other transcripts: intron variant (3).
Genome position (GRCh38, 1-based): chr2:178,706,869, G>A on the plus strand (C>T on the coding strand, the complement: TTN is on the minus strand). VCF-style: chr2-178706869-G-A. GRCh37 (hg19) VCF-style: chr2-179571596-G-A.
Other names: c.28176C>T, p.Val9392= (NM_001256850.1); c.25395C>T, p.Val8465= (NM_133378.4); c.13282+31213C>T (NM_003319.4); c.13858+31213C>T (NM_133437.4); c.13657+31213C>T (NM_133432.3).
Identifiers: ClinVar variation 1013441 (VCV001013441.15), dbSNP rs769063245, ClinGen allele CA1999456.